The following is an entry in ClinVar:

NM_031433.4(MFRP):c.666C>A (p.Pro222=)

Genes: C1QTNF5 (C1q and TNF related 5; minus strand), MFRP (membrane frizzled-related protein; minus strand). Cytogenetic location: 11q23.3.
Variant type: single nucleotide variant.
Coding change: c.666C>A on transcript NM_031433.4 (MANE Select); coding-DNA position 666, C replaced by A.
Protein change: p.Pro222=; no amino-acid change (proline 222 retained).
Molecular consequence: synonymous variant. On other transcripts: 5 prime UTR variant (1).
Genome position (GRCh38, 1-based): chr11:119,344,980, G>T on the plus strand (C>A on the coding strand, the complement: MFRP is on the minus strand). VCF-style: chr11-119344980-G-T. GRCh37 (hg19) VCF-style: chr11-119215690-G-T.
Other names: c.-1971C>A (NM_015645.5).
Identifiers: ClinVar variation 1635732 (VCV001635732.10), dbSNP rs765386106, ClinGen allele CA6320451.

ClinVar aggregate classification (germline): Likely benign. Review status: criteria provided, multiple submitters, no conflicts (2 of 4 stars). 3 submissions from 3 submitters: Likely benign (3). Last evaluated 2025-11-18.

Conditions:
Isolated microphthalmia 5. Also called: Posterior Microphthalmia with Retinitis Pigmentosa, Foveoschisis, and Optic Disc Drusen. Identifiers: Orphanet 251279, MedGen C1970236, MONDO:0012605, OMIM 611040.
MFRP-related disorder. Also called: MFRP-related condition; MFRP-related disorders.

gnomAD v4.1: 30 of 1,606,960 alleles (0.0019%); highest among the groups gnomAD compares: Admixed American, 0.0034%; no homozygotes.

Submissions (3):

PreventionGenetics, part of Exact Sciences
Classification: Likely benign for MFRP-related condition. Last evaluated: 2025-11-18. Review status: criteria provided, single submitter. Criteria: ACMG Guidelines, 2015. Collection method: clinical testing. Allele origin: germline.
Comment: This variant is classified as likely benign based on ACMG/AMP sequence variant interpretation guidelines (Richards et al. 2015 PMID: 25741868, with internal and published modifications).

Blueprint Genetics
Classification: Likely benign. Last evaluated: 2023-10-10. Review status: criteria provided, single submitter. Criteria: ACMG Guidelines, 2015. Collection method: clinical testing. Allele origin: germline.

Labcorp Genetics (formerly Invitae), Labcorp
Classification: Likely benign for Isolated microphthalmia 5. Last evaluated: 2022-07-05. Review status: criteria provided, single submitter. Criteria: Invitae Variant Classification Sherloc (09022015). Collection method: clinical testing. Allele origin: germline.